The following is an entry in ClinVar:

ClinVar aggregate classification (germline): Conflicting classifications of pathogenicity. Review status: criteria provided, conflicting classifications (1 of 4 stars). 5 submissions from 5 submitters: Uncertain significance (2); Benign (1); Likely benign (2). Last evaluated 2025-12-31.

Conditions:
Familial thoracic aortic aneurysm and aortic dissection (TAAD). Also called: Thoracic aortic aneurysms and dissections. Identifiers: Orphanet 91387, MedGen C4707243, MONDO:0019625.
Aortic aneurysm, familial thoracic 7 (AAT7). Also called: AORTIC DISSECTION, FAMILIAL, WITH OR WITHOUT AORTIC ANEURYSM. Identifiers: MedGen C3151077, MONDO:0013418, OMIM 613780.

Allele frequency attached by ClinVar (database versions not stated): gnomAD 0.00010 and 0.00012; gnomAD exomes 0.00013 and 0.00030; TOPMed 0.00020; ExAC 0.00035; 1000 Genomes Project 30x 0.00078; 1000 Genomes Project 0.00100.
gnomAD v4.1: 197 of 1,614,086 alleles (0.012%); highest among the groups gnomAD compares: East Asian, 0.43%; 1 homozygote.

Submissions (5):

Labcorp Genetics (formerly Invitae), Labcorp
Classification: Benign for Aortic aneurysm, familial thoracic 7. Last evaluated: 2025-12-31. Review status: criteria provided, single submitter. Criteria: Invitae Variant Classification Sherloc (09022015). Collection method: clinical testing. Allele origin: germline.

GeneDx
Classification: Uncertain significance. Last evaluated: 2024-11-04. Review status: criteria provided, single submitter. Criteria: GeneDx Variant Classification Process June 2021. Collection method: clinical testing. Allele origin: germline. Affected: yes.
Comment: In silico analysis supports that this missense variant has a deleterious effect on protein structure/function; Reported in two Chinese patients with TAAD (PMID: 28855619, 34422331); This variant is associated with the following publications: (PMID: 34422331, 28855619, 38296580)

Ambry Genetics
Classification: Likely benign for Familial thoracic aortic aneurysm and aortic dissection. Last evaluated: 2021-07-13. Review status: criteria provided, single submitter. Criteria: Ambry Variant Classification Scheme 2023. Collection method: clinical testing. Allele origin: germline.

Illumina Laboratory Services, Illumina
Classification: Likely benign for Aortic aneurysm, familial thoracic 7. Last evaluated: 2018-01-12. Review status: criteria provided, single submitter. Criteria: ICSL Variant Classification Criteria 13 December 2019. Collection method: clinical testing. Allele origin: germline.
Comment: This variant was observed in the ICSL laboratory as part of a predisposition screen in an ostensibly healthy population. It had not been previously curated by ICSL or reported in the Human Gene Mutation Database (HGMD: prior to June 1st, 2018), and was therefore a candidate for classification through an automated scoring system. Utilizing variant allele frequency, disease prevalence and penetrance estimates, and inheritance mode, an automated score was calculated to assess if this variant is too frequent to cause the disease. Based on the score and internal cut-off values, a variant classified as likely benign is not then subjected to further curation. The score for this variant resulted in a classification of likely benign for this disease.

ARUP Laboratories, Molecular Genetics and Genomics, ARUP Laboratories
Classification: Uncertain significance. Last evaluated: 2017-03-17. Review status: criteria provided, single submitter. Criteria: ARUP Molecular Germline Variant Investigation Process. Collection method: clinical testing. Allele origin: germline.

Literature cited by the submitters: PubMed 28855619 (cited by Ambry Genetics).

NM_053025.4(MYLK):c.4882G>A (p.Val1628Met)

Gene: MYLK (myosin light chain kinase; minus strand). Cytogenetic location: 3q21.1.
Variant type: single nucleotide variant.
Coding change: c.4882G>A on transcript NM_053025.4 (MANE Select); coding-DNA position 4882, G replaced by A.
Protein change: p.Val1628Met; replaces valine 1628 with methionine.
Molecular consequence: missense variant.
Genome position (GRCh38, 1-based): chr3:123,638,150, C>T on the plus strand (G>A on the coding strand, the complement: MYLK is on the minus strand). VCF-style: chr3-123638150-C-T. GRCh37 (hg19) VCF-style: chr3-123356997-C-T.
Other names: c.4354G>A, p.Val1452Met (NM_001321309.2); c.4675G>A, p.Val1559Met (NM_053026.4, NM_053028.4); c.4882G>A, p.Val1628Met (NM_053027.4); short protein forms V1628M, V1452M, V1559M.
Identifiers: ClinVar variation 439942 (VCV000439942.25), dbSNP rs76655666, ClinGen allele CA072205.
Genomic context (GRCh38, chr3:123,638,150, plus strand): 5'-CGATGCTCCACATGTCTGTGGCGTAGCCGATGGGCTCATAGTTGATCACTTCAGGAGCCA[C>T]AAATTCTGGGGTGCCAAAGAGGACCTTCAGAGACCCCGCATTCTCTGAAACCAGGATGGA-3'
Protein context (NP_444253.3, residues 1618-1638): LKVLFGTPEF[Val1628Met]APEVINYEPI